The following is an entry in ClinVar:

ClinVar aggregate classification (germline): Uncertain significance. Review status: criteria provided, multiple submitters, no conflicts (2 of 4 stars). 2 submissions from 2 submitters: Uncertain significance (2). Last evaluated 2022-12-20.

Allele frequency attached by ClinVar (database versions not stated): TOPMed below 0.00001; gnomAD 0.00001; gnomAD exomes 0.00001.
gnomAD v4.1: 8 of 1,613,342 alleles (0.0005%); highest among the groups gnomAD compares: African/African-American, 0.0013%; no homozygotes.

Submissions (2):

Blueprint Genetics
Classification: Uncertain significance. Last evaluated: 2022-12-20. Review status: criteria provided, single submitter. Criteria: ACMG Guidelines, 2015. Collection method: clinical testing. Allele origin: germline.

Labcorp Genetics (formerly Invitae), Labcorp
Classification: Uncertain significance. Last evaluated: 2021-08-28. Review status: criteria provided, single submitter. Criteria: Invitae Variant Classification Sherloc (09022015). Collection method: clinical testing. Allele origin: germline.
Comment: This sequence change replaces alanine with threonine at codon 579 of the TMC1 protein (p.Ala579Thr). The alanine residue is moderately conserved and there is a small physicochemical difference between alanine and threonine. This variant is not present in population databases (ExAC no frequency). This variant has not been reported in the literature in individuals affected with TMC1-related conditions. Algorithms developed to predict the effect of missense changes on protein structure and function are either unavailable or do not agree on the potential impact of this missense change (SIFT: "Tolerated"; PolyPhen-2: "Possibly Damaging"; Align-GVGD: "Class C0"). In summary, the available evidence is currently insufficient to determine the role of this variant in disease. Therefore, it has been classified as a Variant of Uncertain Significance.

NM_138691.3(TMC1):c.1735G>A (p.Ala579Thr)

Gene: TMC1 (transmembrane channel like 1; plus strand). Cytogenetic location: 9q21.13.
Variant type: single nucleotide variant.
Coding change: c.1735G>A on transcript NM_138691.3 (MANE Select); coding-DNA position 1735, G replaced by A.
Protein change: p.Ala579Thr; replaces alanine 579 with threonine.
Molecular consequence: missense variant.
Genome position (GRCh38, 1-based): chr9:72,816,182, G>A. VCF-style: chr9-72816182-G-A. GRCh37 (hg19) VCF-style: chr9-75431098-G-A.
Other names: short protein forms A579T.
Identifiers: ClinVar variation 1448446 (VCV001448446.6), dbSNP rs1250257217, ClinGen allele CA373668375.